The following is an entry in ClinVar:

NM_000038.6(APC):c.480T>C (p.Ala160=)

Gene: APC (APC regulator of Wnt signaling pathway; plus strand). Cytogenetic location: 5q22.2.
Variant type: single nucleotide variant.
Coding change: c.480T>C on transcript NM_000038.6 (MANE Select); coding-DNA position 480, T replaced by C.
Protein change: p.Ala160=; no amino-acid change (alanine 160 retained).
Molecular consequence: synonymous variant. On other transcripts: 5 prime UTR variant (4), non-coding transcript variant (2).
Genome position (GRCh38, 1-based): chr5:112,775,686, T>C. VCF-style: chr5-112775686-T-C. GRCh37 (hg19) VCF-style: chr5-112111383-T-C.
Other names: c.480T>C, p.Ala160= (NM_001127510.3, NM_001354895.2, NM_001354896.2 and 16 more transcripts); c.510T>C, p.Ala170= (NM_001127511.3, NM_001354897.2, NM_001354902.2 and 1 more transcripts); c.405T>C, p.Ala135= (NM_001354898.2, NM_001354904.2, NM_001407451.1); c.303T>C, p.Ala101= (NM_001354900.2, NM_001354901.2, NM_001354905.2 and 1 more transcripts); c.-556T>C (NM_001354906.2, NM_001407470.1, NM_001407471.1 and 1 more transcripts); c.480T>C (NM_000038.5).
Identifiers: ClinVar variation 2887565 (VCV002887565.5), dbSNP rs758296324, ClinGen allele CA445753052.

ClinVar aggregate classification (germline): Benign/Likely benign. Review status: criteria provided, multiple submitters, no conflicts (2 of 4 stars). 3 submissions from 3 submitters: Benign (1); Likely benign (2). Last evaluated 2025-05-11.

Conditions:
Hereditary cancer-predisposing syndrome. Also called: Neoplastic Syndromes, Hereditary; Hereditary neoplastic syndrome; Tumor predisposition; Hereditary Cancer Syndrome. Identifiers: Orphanet 140162, MedGen C0027672, MeSH D009386, MONDO:0015356.
Familial adenomatous polyposis 1 (FAP1). Also called: FAMILIAL ADENOMATOUS POLYPOSIS 1, ATTENUATED; POLYPOSIS, ADENOMATOUS INTESTINAL. Identifiers: MedGen C2713442, MONDO:0021056, OMIM 175100. Disease mechanism: loss of function.

Submissions (3):

Ambry Genetics
Classification: Likely benign for Hereditary cancer-predisposing syndrome. Last evaluated: 2025-05-11. Review status: criteria provided, single submitter. Criteria: Ambry Variant Classification Scheme 2023. Collection method: clinical testing. Allele origin: germline.

Myriad Genetics, Inc.
Classification: Benign for Familial adenomatous polyposis 1. Last evaluated: 2024-02-23. Review status: criteria provided, single submitter. Criteria: Myriad Autosomal Dominant, Autosomal Recessive and X-Linked Classification Criteria (2023). Collection method: clinical testing. Allele origin: unknown.
Comment: This variant is considered benign. This variant is a silent/synonymous amino acid change and it is not expected to impact splicing.

Labcorp Genetics (formerly Invitae), Labcorp
Classification: Likely benign for Familial adenomatous polyposis 1. Last evaluated: 2024-01-07. Review status: criteria provided, single submitter. Criteria: Invitae Variant Classification Sherloc (09022015). Collection method: clinical testing. Allele origin: germline.